The following is an entry in ClinVar:

ClinVar aggregate classification (germline): Pathogenic (1 of 4 stars; one submission).

Submission:

Quest Diagnostics Nichols Institute San Juan Capistrano
Classification: Pathogenic. Last evaluated: 2023-07-21. Review status: criteria provided, single submitter. Criteria: ACMG/ClinGen CNV Guidelines, 2019. Collection method: clinical testing. Allele origin: unknown.
Comment: This loss involves four haploinsufficient genes (Rehm 2015): IL1RAPL1 (OMIM 300206), NR0B1 (OMIM 300473), GK (OMIM 300474), and DMD (exons 3-79; NM_004006.3; OMIM 300377; Darras 2022). Further, deletions of Xp21.3p21.1 are associated with Xp21 deletion syndrome (OMIM 300679; Achermann 2018, Chang 2021, Loke 2009, Yang 2022). There are no similar copy number losses of this region in the general populations of the Database of Genomic Variants. Thus, this copy number variant (CNV) is classified as pathogenic. References: Achermann et al., GeneReviews. 2018 Jan 25. PMID: 20301604; Chang et al., BMC Med Genomics. 2021 Jun 30;14(1):172. PMID: 34193132; Darras et al., GeneReviews. 2022 Jan 20. PMID: 20301298; Loke et al., Horm Res. 2009;71(5):298-304. PMID: 19339795; Rehm et al., N Engl J Med. 2015 Jun 4;372(23):2235-42. PMID: 26014595; Yang et al., Clin Genet. 2022 Jan;101(1):101-109. PMID: 34671977

GRCh37/hg19 Xp21.3-21.1(chrX:29271381-32917917)x0

Genes: DMD (dystrophin; minus strand), FTHL17 (ferritin heavy chain like 17; minus strand), GK (glycerol kinase; plus strand), IL1RAPL1 (interleukin 1 receptor accessory protein like 1; plus strand), MAGEB1 (MAGE family member B1; plus strand) and 6 more. Cytogenetic location: Xp21.3-21.1.
Variant type: copy number loss.
Change: copy number 0 of chrX:29,271,381-32,917,917 (3.65 Mb, GRCh37 coordinates, 1-based), cytogenetic band Xp21.3-21.1.
Identifiers: ClinVar variation 3391950 (VCV003391950.1).